The following is an entry in ClinVar:

NM_000051.4(ATM):c.6143C>A (p.Thr2048Lys)

Genes: ATM (ATM serine/threonine kinase; plus strand), C11orf65 (chromosome 11 open reading frame 65; minus strand). Cytogenetic location: 11q22.3.
Variant type: single nucleotide variant.
Coding change: c.6143C>A on transcript NM_000051.4 (MANE Select); coding-DNA position 6143, C replaced by A.
Protein change: p.Thr2048Lys; replaces threonine 2048 with lysine.
Molecular consequence: missense variant. On other transcripts: intron variant (2).
Genome position (GRCh38, 1-based): chr11:108,316,058, C>A. VCF-style: chr11-108316058-C-A. GRCh37 (hg19) VCF-style: chr11-108186785-C-A.
Other names: c.6143C>A, p.Thr2048Lys (NM_001351834.2); c.641-6987G>T (NM_001330368.2); c.*39-6987G>T (NM_001351110.2); short protein forms T2048K.
Identifiers: ClinVar variation 3801381 (VCV003801381.1).

ClinVar aggregate classification (germline): Uncertain significance (1 of 4 stars; one submission).

Conditions:
Hereditary cancer-predisposing syndrome. Also called: Neoplastic Syndromes, Hereditary; Tumor predisposition; Hereditary Cancer Syndrome; Hereditary neoplastic syndrome. Identifiers: Orphanet 140162, MedGen C0027672, MeSH D009386, MONDO:0015356.

gnomAD v4.1: 1 of 1,614,144 alleles (0.000062%); highest among the groups gnomAD compares: Non-Finnish European, 0.000085%; no homozygotes.

Submission:

Ambry Genetics
Classification: Uncertain significance for Hereditary cancer-predisposing syndrome. Last evaluated: 2025-01-09. Review status: criteria provided, single submitter. Criteria: Ambry Variant Classification Scheme 2023. Collection method: clinical testing. Allele origin: germline.
Comment: The p.T2048K variant (also known as c.6143C>A), located in coding exon 41 of the ATM gene, results from a C to A substitution at nucleotide position 6143. The threonine at codon 2048 is replaced by lysine, an amino acid with similar properties. This variant was identified in 1 of 1528 breast cancer cases and 0 of 3733 unaffected controls (Dumont M et al. Cancers (Basel), 2022 Jul;14:). This amino acid position is well conserved in available vertebrate species. In addition, this alteration is predicted to be tolerated by in silico analysis. Based on the available evidence, the clinical significance of this variant remains unclear.

Literature cited by the submitters: PubMed 35884425.